The following is an entry in ClinVar:

NM_005921.2(MAP3K1):c.5CGG[5] (p.Ala5dup)

Genes: MAP3K1 (mitogen-activated protein kinase kinase kinase 1; plus strand), LOC129993918 (ATAC-STARR-seq lymphoblastoid silent region 16021; plus strand). Cytogenetic location: 5q11.2.
Variant type: Microsatellite.
Coding change: c.5CGG[5] on transcript NM_005921.2 (MANE Select); five copies in a row of the 3-base unit CGG starting at c.5; the reference has four copies in a row; one copy, 3 bases duplicated.
Protein change: p.Ala5dup; duplicates alanine 5.
Molecular consequence: inframe insertion, initiator codon variant.
Genome position (GRCh38, 1-based): chr5:56,815,587-56,815,589, CGG duplicated; duplicating any 3 consecutive bases within chr5:56,815,576-56,815,589 gives the same sequence; the position shown is the placement nearest the transcript's 3' end. VCF-style (leftmost placement, unchanged base first): chr5-56815575-T-TGGC. GRCh37 (hg19) VCF-style: chr5-56111402-T-TGGC.
Other names: c.14_16dupCGG (NM_005921.1).
Identifiers: ClinVar variation 1601738 (VCV001601738.12), dbSNP rs779149827, ClinGen allele CA3272488.

ClinVar aggregate classification (germline): Conflicting classifications of pathogenicity. Review status: criteria provided, conflicting classifications (1 of 4 stars). 4 submissions from 4 submitters: Uncertain significance (1); Benign (2); Likely benign (1). Last evaluated 2026-01-15.

Conditions:
MAP3K1-related disorder. Also called: MAP3K1-related condition.
46,XY sex reversal 6. Also called: 46,XY GONADAL DYSGENESIS, PARTIAL OR COMPLETE, MAP3K1-RELATED; 46,XY SEX REVERSAL, PARTIAL OR COMPLETE, MAP3K1-RELATED. Identifiers: MedGen C3151064, MONDO:0013410, OMIM 613762.

Submissions (4):

Labcorp Genetics (formerly Invitae), Labcorp
Classification: Benign for 46,XY sex reversal 6. Last evaluated: 2026-01-15. Review status: criteria provided, single submitter. Criteria: Invitae Variant Classification Sherloc (09022015). Collection method: clinical testing. Allele origin: germline.

PreventionGenetics, part of Exact Sciences
Classification: Likely benign for MAP3K1-related condition. Last evaluated: 2024-11-15. Review status: criteria provided, single submitter. Criteria: ACMG Guidelines, 2015. Collection method: clinical testing. Allele origin: germline.
Comment: This variant is classified as likely benign based on ACMG/AMP sequence variant interpretation guidelines (Richards et al. 2015 PMID: 25741868, with internal and published modifications).

Department of Pathology and Laboratory Medicine, Sinai Health System
Classification: Uncertain significance for 46,XY sex reversal 6. Last evaluated: 2022-08-09. Review status: criteria provided, single submitter. Criteria: ACMG Guidelines, 2015. Collection method: research. Allele origin: germline.

Mendelics
Classification: Benign. Last evaluated: 2022-05-04. Review status: criteria provided, single submitter. Criteria: Mendelics Assertion Criteria 2019. Collection method: clinical testing. Allele origin: germline.